The following is an entry in ClinVar:

NM_006940.6(SOX5):c.1388C>T (p.Ala463Val)

Gene: SOX5 (SRY-box transcription factor 5; minus strand). Cytogenetic location: 12p12.1.
Variant type: single nucleotide variant.
Coding change: c.1388C>T on transcript NM_006940.6 (MANE Select); coding-DNA position 1388, C replaced by T.
Protein change: p.Ala463Val; replaces alanine 463 with valine.
Molecular consequence: missense variant. On other transcripts: intron variant (1).
Genome position (GRCh38, 1-based): chr12:23,563,358, G>A on the plus strand (C>T on the coding strand, the complement: SOX5 is on the minus strand). VCF-style: chr12-23563358-G-A. GRCh37 (hg19) VCF-style: chr12-23716292-G-A.
Other names: c.1358C>T, p.Ala453Val (NM_001261415.3); c.1283C>T, p.Ala428Val (NM_001330785.2); c.1349C>T, p.Ala450Val (NM_152989.5); c.230C>T, p.Ala77Val (NM_178010.4); c.1126-16934C>T (NM_001261414.3); short protein forms A428V, A450V, A453V, A463V, A77V.
Identifiers: ClinVar variation 3362111 (VCV003362111.1).
Genomic context (GRCh38, chr12:23,563,358, plus strand): 5'-ACAGCCACCTTCCCATCAAGCACCTGTTGTTCCCGTCGGAGTTGCTCCTTCATTTGCCGA[G>A]CTTCTTGGATTGCCTTGGTGACAGCATCATGGTCATTTAAGTAACCTGAACATGAGACAG-3'
Protein context (NP_008871.3, residues 453-473): HDAVTKAIQE[Ala463Val]RQMKEQLRRE

ClinVar aggregate classification (germline): Uncertain significance (1 of 4 stars; one submission).

gnomAD v4.1: 1 of 1,613,978 alleles (0.000062%); highest among the groups gnomAD compares: Non-Finnish European, 0.000085%; no homozygotes.

Submission:

GeneDx
Classification: Uncertain significance. Last evaluated: 2023-05-25. Review status: criteria provided, single submitter. Criteria: GeneDx Variant Classification Process June 2021. Collection method: clinical testing. Allele origin: germline. Affected: yes.
Comment: Not observed at significant frequency in large population cohorts (gnomAD); In silico analysis supports that this missense variant has a deleterious effect on protein structure/function; Has not been previously published as pathogenic or benign to our knowledge